The following is an entry in ClinVar:

ClinVar aggregate classification (germline): Benign/Likely benign. Review status: criteria provided, multiple submitters, no conflicts (2 of 4 stars). 3 submissions from 3 submitters: Benign (1); Likely benign (2). Last evaluated 2026-01-18.

Conditions:
Hereditary cancer-predisposing syndrome. Also called: Tumor predisposition; Neoplastic Syndromes, Hereditary; Hereditary neoplastic syndrome; Hereditary Cancer Syndrome. Identifiers: Orphanet 140162, MedGen C0027672, MeSH D009386, MONDO:0015356.
Oligodontia-cancer predisposition syndrome. Also called: TOOTH AGENESIS-COLORECTAL CANCER SYNDROME. Identifiers: Orphanet 300576, MedGen C1837750, MONDO:0012075, OMIM 608615. Disease mechanism: loss of function.

Allele frequency attached by ClinVar (database versions not stated): TOPMed below 0.00001; gnomAD 0.00001; gnomAD exomes 0.00001 and 0.00002; ExAC 0.00004.
gnomAD v4.1: 21 of 1,613,448 alleles (0.0013%); highest among the groups gnomAD compares: Middle Eastern, 0.017%; no homozygotes.

Submissions (3):

Labcorp Genetics (formerly Invitae), Labcorp
Classification: Likely benign for Oligodontia-cancer predisposition syndrome. Last evaluated: 2026-01-18. Review status: criteria provided, single submitter. Criteria: Invitae Variant Classification Sherloc (09022015). Collection method: clinical testing. Allele origin: germline.

Myriad Genetics, Inc.
Classification: Benign for Oligodontia-cancer predisposition syndrome. Last evaluated: 2024-07-09. Review status: criteria provided, single submitter. Criteria: Myriad Autosomal Dominant, Autosomal Recessive and X-Linked Classification Criteria (2023). Collection method: clinical testing. Allele origin: unknown.
Comment: This variant is considered benign. This variant is a silent/synonymous amino acid change and it is not expected to impact splicing.

Ambry Genetics
Classification: Likely benign for Hereditary cancer-predisposing syndrome. Last evaluated: 2022-03-14. Review status: criteria provided, single submitter. Criteria: Ambry Variant Classification Scheme 2023. Collection method: clinical testing. Allele origin: germline.

NM_004655.4(AXIN2):c.2070A>G (p.Pro690=)

Gene: AXIN2 (axin 2; minus strand). Cytogenetic location: 17q24.1.
Variant type: single nucleotide variant.
Coding change: c.2070A>G on transcript NM_004655.4 (MANE Select); coding-DNA position 2070, A replaced by G.
Protein change: p.Pro690=; no amino-acid change (proline 690 retained).
Molecular consequence: synonymous variant.
Genome position (GRCh38, 1-based): chr17:65,536,391, T>C on the plus strand (A>G on the coding strand, the complement: AXIN2 is on the minus strand). VCF-style: chr17-65536391-T-C. GRCh37 (hg19) VCF-style: chr17-63532509-T-C.
Other names: c.2070A>G (LRG_296t1); c.1875A>G, p.Pro625= (NM_001363813.1).
Identifiers: ClinVar variation 415209 (VCV000415209.15), dbSNP rs748402111, ClinGen allele CA8718417.